The following is an entry in ClinVar:

ClinVar aggregate classification (germline): Conflicting classifications of pathogenicity. Review status: criteria provided, conflicting classifications (1 of 4 stars). 8 submissions from 8 submitters: Uncertain significance (6); Likely benign (1). 1 of the submissions does not count toward it. Last evaluated 2026-01-26.

Conditions:
LAMA2-related disorder. Also called: LAMA2-related disorders; LAMA2-related condition.
Inborn genetic diseases. Identifiers: MedGen C0950123, MeSH D030342.
LAMA2-related muscular dystrophy (LAMA2-RD). Also called: Laminin alpha 2-related dystrophy. Identifiers: MedGen C5679788, MONDO:0100228.

Allele frequency attached by ClinVar (database versions not stated): gnomAD 0.00004; gnomAD exomes 0.00009 and 0.00045; TOPMed 0.00030; ExAC 0.00033.
gnomAD v4.1: 131 of 1,613,030 alleles (0.0081%); highest among the groups gnomAD compares: Admixed American, 0.22%; no homozygotes.

Submissions (8):

Labcorp Genetics (formerly Invitae), Labcorp
Classification: Likely benign for LAMA2-related muscular dystrophy. Last evaluated: 2026-01-26. Review status: criteria provided, single submitter. Criteria: Invitae Variant Classification Sherloc (09022015). Collection method: clinical testing. Allele origin: germline.

GeneDx
Classification: Uncertain significance. Last evaluated: 2025-06-04. Review status: criteria provided, single submitter. Criteria: GeneDx Variant Classification Process June 2021. Collection method: clinical testing. Allele origin: germline. Affected: yes.
Comment: In silico analysis supports that this missense variant has a deleterious effect on protein structure/function; Has not been previously published as pathogenic or benign to our knowledge

Revvity Omics, Revvity
Classification: Uncertain significance. Last evaluated: 2024-08-13. Review status: criteria provided, single submitter. Criteria: ACMG Guidelines, 2015. Collection method: clinical testing. Allele origin: germline.

Mayo Clinic Laboratories, Mayo Clinic
Classification: Uncertain significance. Last evaluated: 2022-08-24. Review status: criteria provided, single submitter. Criteria: ACMG Guidelines, 2015. Collection method: clinical testing. Allele origin: germline. Observed: 1 variant allele.

Athena Diagnostics
Classification: Uncertain significance. Last evaluated: 2017-12-07. Review status: criteria provided, single submitter. Criteria: Athena Diagnostics Criteria. Collection method: clinical testing. Allele origin: germline.

Ambry Genetics
Classification: Uncertain significance for Hereditary disease. Last evaluated: 2017-05-08. Review status: criteria provided, single submitter. Criteria: ambry_reporting_categories_2017. Collection method: clinical testing. Allele origin: germline. Affected: yes. Observed: 1 heterozygote. Segregation with disease observed.
Comment: Lines of evidence used in support of classification: UNCERTAIN: Alteration(s) of Uncertain Clinical Significance Detected

Genetic Services Laboratory, University of Chicago
Classification: Uncertain significance. Last evaluated: 2013-11-05. Review status: criteria provided, single submitter. Criteria: ACMG Guidelines, 2007. Collection method: clinical testing. Allele origin: germline. Inheritance: Autosomal recessive inheritance.

PreventionGenetics, part of Exact Sciences
Classification: Likely benign for LAMA2-related condition. Last evaluated: 2023-07-09. Review status: no assertion criteria provided. Collection method: clinical testing. Allele origin: germline. Not counted in ClinVar's aggregate classification.
Comment: This variant is classified as likely benign based on ACMG/AMP sequence variant interpretation guidelines (Richards et al. 2015 PMID: 25741868, with internal and published modifications).

Literature cited by the submitters: PubMed 21953594 (cited by Ambry Genetics); PubMed 12552556 (cited by Ambry Genetics); PubMed 18700894 (cited by Ambry Genetics); PubMed 24223650 (cited by Ambry Genetics); PubMed 20207543 (cited by Ambry Genetics); PubMed 26304763 (cited by Ambry Genetics).

NM_000426.4(LAMA2):c.6539A>T (p.Asp2180Val)

Gene: LAMA2 (laminin subunit alpha 2; plus strand). Cytogenetic location: 6q22.33.
Variant type: single nucleotide variant.
Coding change: c.6539A>T on transcript NM_000426.4 (MANE Select); coding-DNA position 6539, A replaced by T.
Protein change: p.Asp2180Val; replaces aspartic acid 2180 with valine.
Molecular consequence: missense variant.
Genome position (GRCh38, 1-based): chr6:129,453,097, A>T. VCF-style: chr6-129453097-A-T. GRCh37 (hg19) VCF-style: chr6-129774242-A-T.
Other names: p.Asp2180Val; c.6539A>T, p.Asp2180Val (NM_001079823.2); short protein forms D2180V.
Identifiers: ClinVar variation 129441 (VCV000129441.32), dbSNP rs567385461, ClinGen allele CA231226.